The following is an entry in ClinVar:

ClinVar aggregate classification (germline): Uncertain significance. Review status: criteria provided, multiple submitters, no conflicts (2 of 4 stars). 3 submissions from 3 submitters: Uncertain significance (3). Last evaluated 2025-09-02.

Conditions:
Cardiovascular phenotype. Identifiers: MedGen CN230736.
Myopathy, myofibrillar, 9, with early respiratory failure (MFM9). Also called: EDSTROM MYOPATHY; MYOPATHY, PROXIMAL, WITH EARLY RESPIRATORY MUSCLE INVOLVEMENT; Hereditary myopathy with early respiratory failure; Myopathy, distal, with early respiratory failure, autosomal dominant. Identifiers: Orphanet 178464, Orphanet 34521, MedGen C1863599, MONDO:0011362, OMIM 603689.
Hypertrophic cardiomyopathy 9. Also called: Familial hypertrophic cardiomyopathy 9. Identifiers: MedGen C1861065, MONDO:0013412, OMIM 613765.
Dilated cardiomyopathy 1G (CMD1G). Identifiers: Orphanet 154, MedGen C1858763, MONDO:0011400, OMIM 604145.
Tibial muscular dystrophy (TMD). Also called: Udd Distal Myopathy – Tibial Muscular Dystrophy; UDD MYOPATHY; Tibial muscular dystrophy, tardive. Identifiers: Orphanet 609, MedGen C1838244, MONDO:0010870, OMIM 600334.
Early-onset myopathy with fatal cardiomyopathy (CMYO5). Also called: Salih Myopathy; CONGENITAL MYOPATHY 5 WITH CARDIOMYOPATHY. Identifiers: Orphanet 289377, MedGen C2673677, MONDO:0012714, OMIM 611705. Disease mechanism: loss of function.
Autosomal recessive limb-girdle muscular dystrophy type 2J (LGMDR10). Also called: Limb-girdle muscular dystrophy, type 2J; MUSCULAR DYSTROPHY, LIMB-GIRDLE, AUTOSOMAL RECESSIVE 10. Identifiers: Orphanet 140922, MedGen C1837342, MONDO:0012127, OMIM 608807.

Allele frequency attached by ClinVar (database versions not stated): gnomAD exomes below 0.00001; gnomAD 0.00005 and 0.00006; TOPMed 0.00011.
gnomAD v4.1: 19 of 1,602,332 alleles (0.0012%); highest among the groups gnomAD compares: African/African-American, 0.019%; no homozygotes.

Submissions (3):

GeneDx
Classification: Uncertain significance. Last evaluated: 2025-09-02. Review status: criteria provided, single submitter. Criteria: GeneDx Variant Classification Process June 2021. Collection method: clinical testing. Allele origin: germline. Affected: yes.
Comment: Not observed at significant frequency in large population cohorts (gnomAD); Missense variant in a gene in which most reported pathogenic variants are truncating/loss of function; Has not been previously published as pathogenic or benign to our knowledge

Fulgent Genetics
Classification: Uncertain significance for Tibial muscular dystrophy; Myopathy, myofibrillar, 9, with early respiratory failure; Dilated cardiomyopathy 1G; Autosomal recessive limb-girdle muscular dystrophy type 2J; Early-onset myopathy with fatal cardiomyopathy; Hypertrophic cardiomyopathy 9. Last evaluated: 2021-07-29. Review status: criteria provided, single submitter. Criteria: ACMG Guidelines, 2015. Collection method: clinical testing. Allele origin: unknown.

Ambry Genetics
Classification: Uncertain significance for Cardiovascular phenotype. Last evaluated: 2018-10-31. Review status: criteria provided, single submitter. Criteria: Ambry Variant Classification Scheme 2023. Collection method: clinical testing. Allele origin: germline.
Comment: The p.T411P variant (also known as c.1231A>C), located in coding exon 6 of the TTN gene, results from an A to C substitution at nucleotide position 1231. The threonine at codon 411 is replaced by proline, an amino acid with highly similar properties. This amino acid position is not well conserved in available vertebrate species. In addition, this alteration is predicted to be tolerated by in silico analysis. Since supporting evidence is limited at this time, the clinical significance of this alteration remains unclear.

NM_001267550.2(TTN):c.1231A>C (p.Thr411Pro)

Gene: TTN (titin; minus strand). Cytogenetic location: 2q31.2.
Variant type: single nucleotide variant.
Coding change: c.1231A>C on transcript NM_001267550.2 (MANE Select); coding-DNA position 1231, A replaced by C.
Protein change: p.Thr411Pro; replaces threonine 411 with proline.
Molecular consequence: missense variant.
Genome position (GRCh38, 1-based): chr2:178,794,936, T>G on the plus strand (A>C on the coding strand, the complement: TTN is on the minus strand). VCF-style: chr2-178794936-T-G. GRCh37 (hg19) VCF-style: chr2-179659663-T-G.
Other names: c.1231A>C, p.Thr411Pro (NM_001256850.1, NM_003319.4, NM_133378.4 and 3 more transcripts); c.1231A>C (NM_001267550.1); short protein forms T411P.
Identifiers: ClinVar variation 1218318 (VCV001218318.9), dbSNP rs911182620, ClinGen allele CA60986427.